The following is an entry in ClinVar:

ClinVar aggregate classification (germline): Uncertain significance (1 of 4 stars; one submission).

Submission:

GeneDx
Classification: Uncertain significance. Last evaluated: 2024-03-10. Review status: criteria provided, single submitter. Criteria: GeneDx Variant Classification Process June 2021. Collection method: clinical testing. Allele origin: germline. Affected: yes.
Comment: Not observed at significant frequency in large population cohorts (gnomAD); In silico analysis supports that this missense variant has a deleterious effect on protein structure/function; In silico analysis suggests this variant may impact gene splicing. In the absence of RNA/functional studies, the actual effect of this sequence change is unknown.; Has not been previously published as pathogenic or benign to our knowledge

NM_001378457.1(DMXL2):c.389A>T (p.Asp130Val)

Gene: DMXL2 (Dmx like 2; minus strand). Cytogenetic location: 15q21.2.
Variant type: single nucleotide variant.
Coding change: c.389A>T on transcript NM_001378457.1 (MANE Select); coding-DNA position 389, A replaced by T.
Protein change: p.Asp130Val; replaces aspartic acid 130 with valine.
Molecular consequence: missense variant. On other transcripts: non-coding transcript variant (2).
Genome position (GRCh38, 1-based): chr15:51,564,236, T>A on the plus strand (A>T on the coding strand, the complement: DMXL2 is on the minus strand). VCF-style: chr15-51564236-T-A. GRCh37 (hg19) VCF-style: chr15-51856433-T-A.
Other names: c.389A>T, p.Asp130Val (NM_001174116.3, NM_001174117.3, NM_001378458.1 and 7 more transcripts); short protein forms D130V.
Identifiers: ClinVar variation 3370586 (VCV003370586.1).